The following is an entry in ClinVar:

NM_005918.4(MDH2):c.175G>A (p.Ala59Thr)

Gene: MDH2 (malate dehydrogenase 2; plus strand). Cytogenetic location: 7q11.23.
Variant type: single nucleotide variant.
Coding change: c.175G>A on transcript NM_005918.4 (MANE Select); coding-DNA position 175, G replaced by A.
Protein change: p.Ala59Thr; replaces alanine 59 with threonine.
Molecular consequence: missense variant. On other transcripts: intron variant (1).
Genome position (GRCh38, 1-based): chr7:76,054,938, G>A. VCF-style: chr7-76054938-G-A. GRCh37 (hg19) VCF-style: chr7-75684256-G-A.
Other names: c.175G>A, p.Ala59Thr (NM_001282403.2); c.-86-2472G>A (NM_001282404.2); short protein forms A59T.
Identifiers: ClinVar variation 1779552 (VCV001779552.4), dbSNP rs781834910, ClinGen allele CA4305435.
Genomic context (GRCh38, chr7:76,054,938, plus strand): 5'-CCACTTTCACTTCTCCTGAAGAACAGCCCCTTGGTGAGCCGCCTGACCCTCTATGATATC[G>A]CGCACACACCCGGAGTGGCCGCAGATCTGAGCCACATCGAGACCAAAGCCGCTGTGAAAG-3'
Protein context (NP_005909.2, residues 49-69): LVSRLTLYDI[Ala59Thr]HTPGVAADLS

ClinVar aggregate classification (germline): Conflicting classifications of pathogenicity. Review status: criteria provided, conflicting classifications (1 of 4 stars). 2 submissions from 2 submitters: Uncertain significance (1); Likely benign (1). Last evaluated 2024-09-20.

Conditions:
Developmental and epileptic encephalopathy, 51 (DEE51). Also called: Epileptic encephalopathy, early infantile, 51. Identifiers: MedGen C4479208, MONDO:0015025, OMIM 617339.
Inborn genetic diseases. Identifiers: MedGen C0950123, MeSH D030342.

Allele frequency attached by ClinVar (database versions not stated): gnomAD exomes 0.00001; TOPMed 0.00001; ExAC 0.00003.

Submissions (2):

3billion
Classification: Likely benign for Developmental and epileptic encephalopathy, 51. Last evaluated: 2024-09-20. Review status: criteria provided, single submitter. Criteria: ACMG Guidelines, 2015. Collection method: clinical testing. Allele origin: germline. Affected: no.
Comment: The homozygous variant was found in patients diagnosed with another variant in a different gene, with no symptoms related to the gene containing the homozygous variant.

Ambry Genetics
Classification: Uncertain significance for Inborn genetic diseases. Last evaluated: 2023-09-11. Review status: criteria provided, single submitter. Criteria: Ambry Variant Classification Scheme 2023. Collection method: clinical testing. Allele origin: germline.
Comment: The p.A59T variant (also known as c.175G>A), located in coding exon 2 of the MDH2 gene, results from a G to A substitution at nucleotide position 175. The alanine at codon 59 is replaced by threonine, an amino acid with similar properties. This amino acid position is conserved. In addition, the in silico prediction for this alteration is inconclusive. Since supporting evidence is limited at this time, the clinical significance of this alteration remains unclear.